The following is an entry in ClinVar:

NM_000342.4(SLC4A1):c.2611C>T (p.Arg871Cys)

Gene: SLC4A1 (solute carrier family 4 member 1 (Diego blood group); minus strand). Cytogenetic location: 17q21.31.
Variant type: single nucleotide variant.
Coding change: c.2611C>T on transcript NM_000342.4 (MANE Select); coding-DNA position 2611, C replaced by T.
Protein change: p.Arg871Cys; replaces arginine 871 with cysteine.
Molecular consequence: missense variant.
Genome position (GRCh38, 1-based): chr17:44,251,203, G>A on the plus strand (C>T on the coding strand, the complement: SLC4A1 is on the minus strand). VCF-style: chr17-44251203-G-A. GRCh37 (hg19) VCF-style: chr17-42328571-G-A.
Other names: short protein forms R871C.
Identifiers: ClinVar variation 2792649 (VCV002792649.3), dbSNP rs879191534, ClinGen allele CA290925040.

ClinVar aggregate classification (germline): Uncertain significance (1 of 4 stars; one submission).

Allele frequency attached by ClinVar (database versions not stated): gnomAD exomes below 0.00001; TOPMed below 0.00001.
gnomAD v4.1: 5 of 1,613,180 alleles (0.00031%); highest among the groups gnomAD compares: South Asian, 0.0011%; no homozygotes.

Submission:

Labcorp Genetics (formerly Invitae), Labcorp
Classification: Uncertain significance. Last evaluated: 2023-12-14. Review status: criteria provided, single submitter. Criteria: Invitae Variant Classification Sherloc (09022015). Collection method: clinical testing. Allele origin: germline.
Comment: This sequence change replaces arginine, which is basic and polar, with cysteine, which is neutral and slightly polar, at codon 871 of the SLC4A1 protein (p.Arg871Cys). This variant is not present in population databases (gnomAD no frequency). This variant has not been reported in the literature in individuals affected with SLC4A1-related conditions. Advanced modeling of protein sequence and biophysical properties (such as structural, functional, and spatial information, amino acid conservation, physicochemical variation, residue mobility, and thermodynamic stability) performed at Invitae indicates that this missense variant is expected to disrupt SLC4A1 protein function with a positive predictive value of 80%. In summary, the available evidence is currently insufficient to determine the role of this variant in disease. Therefore, it has been classified as a Variant of Uncertain Significance.